The following is an entry in ClinVar:

NM_001374385.1(ATP8B1):c.-51C>T

Gene: ATP8B1 (ATPase phospholipid transporting 8B1; minus strand). Cytogenetic location: 18q21.31.
Variant type: single nucleotide variant.
Coding change: c.-51C>T on transcript NM_001374385.1 (MANE Select); 51 bases upstream of the start codon, C replaced by T.
Molecular consequence: 5 prime UTR variant.
Genome position (GRCh38, 1-based): chr18:57,803,023, G>A on the plus strand (C>T on the coding strand, the complement: ATP8B1 is on the minus strand). VCF-style: chr18-57803023-G-A. GRCh37 (hg19) VCF-style: chr18-55470255-G-A.
Other names: c.-103C>T (NM_001374386.1); c.-48C>T (NM_005603.6).
Identifiers: ClinVar variation 327498 (VCV000327498.5), dbSNP rs150844949, ClinGen allele CA10641895.

ClinVar aggregate classification (germline): Conflicting classifications of pathogenicity. Review status: criteria provided, conflicting classifications (1 of 4 stars). 2 submissions from 2 submitters: Uncertain significance (1); Likely benign (1). Last evaluated 2018-02-21.

Conditions:
Progressive familial intrahepatic cholestasis type 1. Also called: BYLER DISEASE; Byler's disease; Severe ATP8B1 Deficiency (Progressive Familial Intrahepatic Cholestasis Type 1 [PFIC1]). Identifiers: Orphanet 79306, MedGen C4551898, MONDO:0008892, OMIM 211600.

Allele frequency attached by ClinVar (database versions not stated): 1000 Genomes Project 30x 0.00203; TOPMed 0.00332; gnomAD 0.00422 and 0.00431; gnomAD exomes 0.01515.
gnomAD v4.1: 642 of 152,088 alleles (0.42%); highest among the groups gnomAD compares: Middle Eastern, 1%; 4 homozygotes.

Submissions (2):

GeneDx
Classification: Likely benign. Last evaluated: 2018-02-21. Review status: criteria provided, single submitter. Criteria: GeneDx Variant Classification (06012015). Collection method: clinical testing. Allele origin: germline. Affected: yes.
Comment: This variant is considered likely benign or benign based on one or more of the following criteria: it is a conservative change, it occurs at a poorly conserved position in the protein, it is predicted to be benign by multiple in silico algorithms, and/or has population frequency not consistent with disease.

Illumina Laboratory Services, Illumina
Classification: Uncertain significance for Progressive familial intrahepatic cholestasis type 1. Last evaluated: 2018-01-12. Review status: criteria provided, single submitter. Criteria: ICSL Variant Classification Criteria 13 December 2019. Collection method: clinical testing. Allele origin: germline.